The following is an entry in ClinVar:

NM_004385.5(VCAN):c.1258G>T (p.Ala420Ser)

Gene: VCAN (versican; plus strand). Cytogenetic location: 5q14.3.
Variant type: single nucleotide variant.
Coding change: c.1258G>T on transcript NM_004385.5 (MANE Select); coding-DNA position 1258, G replaced by T.
Protein change: p.Ala420Ser; replaces alanine 420 with serine.
Molecular consequence: missense variant. On other transcripts: intron variant (2).
Genome position (GRCh38, 1-based): chr5:83,519,564, G>T. VCF-style: chr5-83519564-G-T. GRCh37 (hg19) VCF-style: chr5-82815383-G-T.
Other names: c.1258G>T, p.Ala420Ser (NM_001164098.2); c.1042+7168G>T (NM_001164097.2, NM_001126336.3); short protein forms A420S.
Identifiers: ClinVar variation 1480121 (VCV001480121.6), dbSNP rs1745991069, ClinGen allele CA360299610.

ClinVar aggregate classification (germline): Uncertain significance (1 of 4 stars; one submission).

gnomAD v4.1: 2 of 1,614,134 alleles (0.00012%); highest among the groups gnomAD compares: Non-Finnish European, 0.00017%; no homozygotes.

Submission:

Labcorp Genetics (formerly Invitae), Labcorp
Classification: Uncertain significance. Last evaluated: 2022-07-12. Review status: criteria provided, single submitter. Criteria: Invitae Variant Classification Sherloc (09022015). Collection method: clinical testing. Allele origin: germline.
Comment: Algorithms developed to predict the effect of missense changes on protein structure and function (SIFT, PolyPhen-2, Align-GVGD) all suggest that this variant is likely to be tolerated. ClinVar contains an entry for this variant (Variation ID: 1480121). This variant has not been reported in the literature in individuals affected with VCAN-related conditions. This variant is not present in population databases (gnomAD no frequency). This sequence change replaces alanine, which is neutral and non-polar, with serine, which is neutral and polar, at codon 420 of the VCAN protein (p.Ala420Ser). In summary, the available evidence is currently insufficient to determine the role of this variant in disease. Therefore, it has been classified as a Variant of Uncertain Significance.